The following is an entry in ClinVar:

ClinVar aggregate classification (germline): Uncertain significance (1 of 4 stars; one submission).

Conditions:
Charcot-Marie-Tooth disease type 2. Also called: Charcot-Marie-Tooth type 2. Identifiers: Orphanet 64746, MedGen C0270914, MONDO:0018993.

Submission:

Labcorp Genetics (formerly Invitae), Labcorp
Classification: Uncertain significance for Charcot-Marie-Tooth disease type 2. Last evaluated: 2024-02-10. Review status: criteria provided, single submitter. Criteria: Invitae Variant Classification Sherloc (09022015). Collection method: clinical testing. Allele origin: germline.
Comment: This sequence change replaces alanine, which is neutral and non-polar, with glycine, which is neutral and non-polar, at codon 482 of the GARS protein (p.Ala482Gly). This variant is not present in population databases (gnomAD no frequency). This variant has not been reported in the literature in individuals affected with GARS-related conditions. Advanced modeling of protein sequence and biophysical properties (such as structural, functional, and spatial information, amino acid conservation, physicochemical variation, residue mobility, and thermodynamic stability) performed at Invitae indicates that this missense variant is not expected to disrupt GARS protein function with a negative predictive value of 95%. Algorithms developed to predict the effect of sequence changes on RNA splicing suggest that this variant may disrupt the consensus splice site. In summary, the available evidence is currently insufficient to determine the role of this variant in disease. Therefore, it has been classified as a Variant of Uncertain Significance.

NM_002047.4(GARS1):c.1445C>G (p.Ala482Gly)

Gene: GARS1 (glycyl-tRNA synthetase 1; plus strand). Cytogenetic location: 7p14.3.
Variant type: single nucleotide variant.
Coding change: c.1445C>G on transcript NM_002047.4 (MANE Select); coding-DNA position 1445, C replaced by G.
Protein change: p.Ala482Gly; replaces alanine 482 with glycine.
Molecular consequence: missense variant.
Genome position (GRCh38, 1-based): chr7:30,621,478, C>G. VCF-style: chr7-30621478-C-G. GRCh37 (hg19) VCF-style: chr7-30661094-C-G.
Other names: c.1283C>G, p.Ala428Gly (NM_001316772.1); short protein forms A428G, A482G.
Identifiers: ClinVar variation 3633368 (VCV003633368.2).